The following is an entry in ClinVar:

ClinVar aggregate classification (germline): Pathogenic. Review status: criteria provided, single submitter (1 of 4 stars). 2 submissions from 2 submitters: Pathogenic (1). 1 of the submissions does not count toward it. Last evaluated 2026-09-08.

Conditions:
Fabry disease. Also called: Ceramide trihexosidosis; Fabry's disease; CERAMIDE TRIHEXOSIDASE DEFICIENCY; GLA DEFICIENCY; HEREDITARY DYSTOPIC LIPIDOSIS; ALPHA-GALACTOSIDASE A DEFICIENCY. Identifiers: Orphanet 324, MedGen C0002986, MONDO:0010526, OMIM 301500, HP:0001071. Disease mechanism: Fabry disease is due to inactivating mutations in the X-linked GLA gene resulting in deficiency of the enzyme Alpha Galactosidase-A., loss of function.

Submissions (2):

Genomenon, Inc
Classification: Pathogenic for Fabry disease. Last evaluated: 2026-09-08. Review status: criteria provided, single submitter. Criteria: Genomenon Sequence Variant Interpretation Standards - Updated. Collection method: curation. Allele origin: germline. Affected: yes.
Comment: GLA c.999+1G>T is a canonical splice variant affecting the donor splice site of intron 6. It is predicted to affect mRNA splicing, leading to a deleterious effect on the GLA protein. This variant has been observed in at least one proband with clinical features consistent with Fabry disease (PMID:30988410;1315304;26083343). The variant was found to segregate with disease in at least one affected family (PMID:1315304;30988410). At least one splicing study has demonstrated that this variant results in aberrant splicing (PMID:1315304). It is absent or not present at a significant frequency in gnomAD. In conclusion, we classify GLA c.999+1G>T as a pathogenic variant.

OMIM
Classification: Pathogenic for FABRY DISEASE. Last evaluated: 1992-04-01. Review status: no assertion criteria provided. Collection method: literature only. Allele origin: germline. Not counted in ClinVar's aggregate classification.

Literature cited by the submitters: PubMed 30988410 (cited by Genomenon, Inc); PubMed 1315304 (cited by Genomenon, Inc and OMIM); PubMed 26083343 (cited by Genomenon, Inc); PubMed 2744760 (cited by OMIM).

NM_000169.3(GLA):c.999+1G>T

Genes: GLA (galactosidase alpha; minus strand), RPL36A-HNRNPH2 (RPL36A-HNRNPH2 readthrough; plus strand). Cytogenetic location: Xq22.1.
Variant type: single nucleotide variant.
Coding change: c.999+1G>T on transcript NM_000169.3 (MANE Select); the canonical splice donor site of the intron after coding-DNA position 999, G replaced by T.
Molecular consequence: splice donor variant. On other transcripts: missense variant (1), intron variant (2).
Genome position (GRCh38, 1-based): chrX:101,398,369, C>A on the plus strand (G>T on the coding strand, the complement: GLA is on the minus strand). VCF-style: chrX-101398369-C-A. GRCh37 (hg19) VCF-style: chrX-100653357-C-A.
Other names: IVS6DS, G-T, +1; c.1000G>T, p.Val334Leu (NM_001406748.1); c.300+2912C>A (NM_001199973.2); c.177+6547C>A (NM_001199974.2); c.1122+1G>T (NM_001406747.1); short protein forms V334L.
Identifiers: ClinVar variation 10720 (VCV000010720.3), dbSNP rs1603038103, ClinGen allele CA413921267.